The following is an entry in ClinVar:

ClinVar aggregate classification (germline): Uncertain significance (1 of 4 stars; one submission).

Submission:

ISCA site 14
Classification: Uncertain significance. Last evaluated: 2011-08-12. Review status: criteria provided, single submitter. Criteria: Kaminsky et al. (Genet Med. 2011). Collection method: clinical testing. Allele origin: unknown. Affected: yes. Observed: 1 variant allele.
Comment: Copy number variation identified through the course of routine clinical cytogenomic testing in postnatal populations. Clinical assertions have been curated as described in Kaminsky et al. 2011.

GRCh38/hg38 3q11.2(chr3:95446191-96138545)x3

Gene: LOC112935964 (Sharpr-MPRA regulatory region 9245; plus strand). Cytogenetic location: 3q11.2.
Variant type: copy number gain.
Change: copy number 3 (three copies instead of two) of chr3:95,446,191-96,138,545 (692.4 kb, GRCh38 coordinates, 1-based), cytogenetic band 3q11.2.
Identifiers: ClinVar variation 57763 (VCV000057763.1).